The following is an entry in ClinVar:

ClinVar aggregate classification (germline): Uncertain significance (1 of 4 stars; one submission).

Conditions:
Aortic valve disease 1 (AOVD1). Identifiers: MedGen C3887892, MONDO:0024523, OMIM 109730.

Submission:

MVZ Medizinische Genetik Mainz
Classification: Uncertain significance for Aortic valve disease 1. Last evaluated: 2022-03-23. Review status: criteria provided, single submitter. Criteria: UK Practice Guidelines For Variant Classification V4 01 2020. Collection method: clinical testing. Allele origin: germline. Inheritance: Autosomal dominant inheritance. Affected: yes. Observed: 1 variant allele.
Comment: PM6, PM2_SUP, PP3

NM_017617.5(NOTCH1):c.5167+5G>A

Gene: NOTCH1 (notch receptor 1; minus strand). Cytogenetic location: 9q34.3.
Variant type: single nucleotide variant.
Coding change: c.5167+5G>A on transcript NM_017617.5 (MANE Select); 5 bases into the intron after coding-DNA position 5167, G replaced by A.
Molecular consequence: intron variant.
Genome position (GRCh38, 1-based): chr9:136,503,177, C>T on the plus strand (G>A on the coding strand, the complement: NOTCH1 is on the minus strand). VCF-style: chr9-136503177-C-T. GRCh37 (hg19) VCF-style: chr9-139397629-C-T.
Identifiers: ClinVar variation 3061903 (VCV003061903.1), dbSNP rs2540432822, ClinGen allele CA2740090830.